The following is an entry in ClinVar:

ClinVar aggregate classification (germline): Pathogenic/Likely pathogenic. Review status: criteria provided, multiple submitters, no conflicts (2 of 4 stars). 5 submissions from 5 submitters: Pathogenic (1); Likely pathogenic (4). Last evaluated 2026-01-06.

Conditions:
Retinal dystrophy. Also called: Inherited retinal dystrophy. Identifiers: Orphanet 71862, MedGen C0854723, MeSH D058499, MONDO:0019118, HP:0000556.
Enhanced S-cone syndrome (ESCS). Identifiers: Orphanet 53540, MedGen C1849394, MONDO:0100288, MONDO:0009989.
NR2E3-related disorder. Also called: NR2E3-related disorders; NR2E3-related condition. Identifiers: MedGen CN239387.

gnomAD v4.1: 24 of 1,610,130 alleles (0.0015%); highest among the groups gnomAD compares: Non-Finnish European, 0.002%; no homozygotes.

Submissions (5):

Natera, Inc.
Classification: Likely pathogenic for Enhanced S cone syndrome. Last evaluated: 2026-01-06. Review status: criteria provided, single submitter. Criteria: Natera Variant Classification Schema (03/2026). Collection method: clinical testing. Allele origin: germline.
Comment: The c.1095C>G variant in NR2E3 is a synonymous variant that does not alter the encoded amino acid at position 365 (p.P365=). This variant is rare in the general population with a frequency below the threshold expected for the associated phenotype(s). This variant has been observed in one or more individuals affected with the associated recessive disease, as either homozygous or compound heterozygous with a second variant (PMID: 15459973, 25999674). Computational prediction algorithms indicate this variant is likely to affect gene or protein function. Given the available evidence, this variant is classified as Likely Pathogenic.

Labcorp Genetics (formerly Invitae), Labcorp
Classification: Pathogenic. Last evaluated: 2024-09-23. Review status: criteria provided, single submitter. Criteria: Invitae Variant Classification Sherloc (09022015). Collection method: clinical testing. Allele origin: germline.
Comment: This sequence change affects codon 365 of the NR2E3 mRNA. It is a 'silent' change, meaning that it does not change the encoded amino acid sequence of the NR2E3 protein. This variant is present in population databases (rs35004053, gnomAD 0.002%). This variant has been observed in individual(s) with clinical features of autosomal recessive enhanced S-cone syndrome (PMID: 15459973; internal data). In at least one individual the data is consistent with being in trans (on the opposite chromosome) from a pathogenic variant. ClinVar contains an entry for this variant (Variation ID: 2137726). Algorithms developed to predict the effect of sequence changes on RNA splicing suggest that this variant may disrupt the consensus splice site. For these reasons, this variant has been classified as Pathogenic.

Baylor Genetics
Classification: Likely pathogenic for ENHANCED S-CONE SYNDROME 1. Last evaluated: 2024-01-16. Review status: criteria provided, single submitter. Criteria: ACMG Guidelines, 2015. Collection method: clinical testing. Allele origin: unknown.

PreventionGenetics, part of Exact Sciences
Classification: Likely pathogenic for NR2E3-related condition. Last evaluated: 2022-11-16. Review status: criteria provided, single submitter. Criteria: ACMG Guidelines, 2015. Collection method: clinical testing. Allele origin: germline.
Comment: The NR2E3 c.1095C>G variant is not predicted to result in an amino acid change (p.=). While this variant is not predicted to cause an amino acid change, it is predicted to increase the strength of a cryptic splice site within exon 7 (Alamut Visual Plus v1.6.1). This variant has been reported along with a null variant in NR2E3 in an individual with enhanced S-cone syndrome (Wright et al. 2004. PubMed ID: 15459973). This variant is reported in 0.0018% of alleles in individuals of European (Non-Finnish) descent in gnomAD. Given the evidence, we interpret c.1095C>G as likely pathogenic.

Institute of Human Genetics, Univ. Regensburg, Univ. Regensburg
Classification: Likely pathogenic for Retinal dystrophy. Last evaluated: 2018-01-01. Review status: criteria provided, single submitter. Criteria: ACMG Guidelines, 2015. Collection method: clinical testing. Allele origin: germline. Affected: yes.

Literature cited by the submitters: PubMed 15459973 (cited by 3 submitters); PubMed 25999674 (cited by Natera, Inc.).

NM_014249.4(NR2E3):c.1095C>G (p.Pro365=)

Gene: NR2E3 (nuclear receptor subfamily 2 group E member 3; plus strand). Cytogenetic location: 15q23.
Variant type: single nucleotide variant.
Coding change: c.1095C>G on transcript NM_014249.4 (MANE Select); coding-DNA position 1095, C replaced by G.
Protein change: p.Pro365=; no amino-acid change (proline 365 retained).
Molecular consequence: synonymous variant.
Genome position (GRCh38, 1-based): chr15:71,814,112, C>G. VCF-style: chr15-71814112-C-G. GRCh37 (hg19) VCF-style: chr15-72106453-C-G.
Other names: c.1095C>G, p.Pro365= (NM_016346.4); c.1095C>G (NM_014249.3).
Identifiers: ClinVar variation 2137726 (VCV002137726.9), dbSNP rs35004053, ClinGen allele CA7640493.